The following is an entry in ClinVar:

ClinVar aggregate classification (germline): Likely pathogenic. Review status: criteria provided, multiple submitters, no conflicts (2 of 4 stars). 2 submissions from 2 submitters: Likely pathogenic (2). Last evaluated 2024-04-16.

Conditions:
Glanzmann thrombasthenia 2. Also called: BLEEDING DISORDER, PLATELET-TYPE, 23. Identifiers: MedGen C5543273, MONDO:0031009, OMIM 619267.
Bleeding disorder, platelet-type, 24. Also called: GLANZMANN THROMBASTHENIA-LIKE WITH MACROTHROMBOCYTOPENIA 2. Identifiers: MedGen C5543280, MONDO:0030996, OMIM 619271.
Myocardial infarction, susceptibility to. Identifiers: MedGen C1832662, MONDO:0012039, OMIM 608446.

Allele frequency attached by ClinVar (database versions not stated): gnomAD 0.00001; TOPMed 0.00001.

Submissions (2):

Fulgent Genetics
Classification: Likely pathogenic for Myocardial infarction, susceptibility to; Glanzmann thrombasthenia 2; Bleeding disorder, platelet-type, 24. Last evaluated: 2024-04-16. Review status: criteria provided, single submitter. Criteria: ACMG Guidelines, 2015. Collection method: clinical testing. Allele origin: germline.

Labcorp Genetics (formerly Invitae), Labcorp
Classification: Likely pathogenic. Last evaluated: 2023-05-19. Review status: criteria provided, single submitter. Criteria: Invitae Variant Classification Sherloc (09022015). Collection method: clinical testing. Allele origin: germline.
Comment: This sequence change affects a donor splice site in intron 6 of the ITGB3 gene. It is expected to disrupt RNA splicing. Variants that disrupt the donor or acceptor splice site typically lead to a loss of protein function (PMID: 16199547), and loss-of-function variants in ITGB3 are known to be pathogenic (PMID: 21917754). In summary, the currently available evidence indicates that the variant is pathogenic, but additional data are needed to prove that conclusively. Therefore, this variant has been classified as Likely Pathogenic. Algorithms developed to predict the effect of sequence changes on RNA splicing suggest that this variant may disrupt the consensus splice site. This variant has not been reported in the literature in individuals affected with ITGB3-related conditions. This variant is not present in population databases (gnomAD no frequency).

Literature cited by the submitters: PubMed 16199547 (cited by Labcorp Genetics (formerly Invitae), Labcorp); PubMed 21917754 (cited by Labcorp Genetics (formerly Invitae), Labcorp).

NM_000212.3(ITGB3):c.939+1G>T

Gene: ITGB3 (integrin subunit beta 3; plus strand). Cytogenetic location: 17q21.32.
Variant type: single nucleotide variant.
Coding change: c.939+1G>T on transcript NM_000212.3 (MANE Select); the canonical splice donor site of the intron after coding-DNA position 939, G replaced by T.
Molecular consequence: splice donor variant.
Genome position (GRCh38, 1-based): chr17:47,287,232, G>T. VCF-style: chr17-47287232-G-T. GRCh37 (hg19) VCF-style: chr17-45364598-G-T.
Identifiers: ClinVar variation 2889941 (VCV002889941.4), dbSNP rs987869733, ClinGen allele CA291225004.